The following is an entry in ClinVar:

NM_003601.4(SMARCA5):c.1157T>C (p.Met386Thr)

Gene: SMARCA5 (SNF2 related chromatin remodeling ATPase 5; plus strand). Cytogenetic location: 4q31.21.
Variant type: single nucleotide variant.
Coding change: c.1157T>C on transcript NM_003601.4 (MANE Select); coding-DNA position 1157, T replaced by C.
Protein change: p.Met386Thr; replaces methionine 386 with threonine.
Molecular consequence: missense variant.
Genome position (GRCh38, 1-based): chr4:143,530,525, T>C. VCF-style: chr4-143530525-T-C. GRCh37 (hg19) VCF-style: chr4-144451678-T-C.
Other names: c.1157T>C (NM_003601.3); short protein forms M386T.
Identifiers: ClinVar variation 4717367 (VCV004717367.2).

ClinVar aggregate classification (germline): Uncertain significance. Review status: criteria provided, multiple submitters, no conflicts (2 of 4 stars). 2 submissions from 2 submitters: Uncertain significance (2). Last evaluated 2026-05-26.

Conditions:
Inborn genetic diseases. Identifiers: MedGen C0950123, MeSH D030342.

gnomAD v4.1: 1 of 1,605,242 alleles (0.000062%); highest among the groups gnomAD compares: African/African-American, 0.0013%; no homozygotes.

Submissions (2):

Ambry Genetics
Classification: Uncertain significance for Inborn genetic diseases. Last evaluated: 2026-05-26. Review status: criteria provided, single submitter. Criteria: Ambry Variant Classification Scheme 2023. Collection method: clinical testing. Allele origin: germline.

Labcorp Genetics (formerly Invitae), Labcorp
Classification: Uncertain significance. Last evaluated: 2025-04-14. Review status: criteria provided, single submitter. Criteria: Invitae Variant Classification Sherloc (09022015). Collection method: clinical testing. Allele origin: germline.
Comment: This sequence change replaces methionine, which is neutral and non-polar, with threonine, which is neutral and polar, at codon 386 of the SMARCA5 protein (p.Met386Thr). This variant is not present in population databases (gnomAD no frequency). This variant has not been reported in the literature in individuals affected with SMARCA5-related conditions. An algorithm developed to predict the effect of missense changes on protein structure and function (PolyPhen-2) suggests that this variant is likely to be tolerated. In summary, the available evidence is currently insufficient to determine the role of this variant in disease. Therefore, it has been classified as a Variant of Uncertain Significance.